The following is an entry in ClinVar:

ClinVar aggregate classification (germline): Uncertain significance (1 of 4 stars; one submission).

Conditions:
Lipoic acid synthetase deficiency. Also called: HYPERGLYCINEMIA, LACTIC ACIDOSIS, AND SEIZURES. Identifiers: Orphanet 401859, MedGen C3280887, MONDO:0013762, OMIM 614462.

Submission:

Labcorp Genetics (formerly Invitae), Labcorp
Classification: Uncertain significance for Lipoic acid synthetase deficiency. Last evaluated: 2022-10-21. Review status: criteria provided, single submitter. Criteria: Invitae Variant Classification Sherloc (09022015). Collection method: clinical testing. Allele origin: germline.
Comment: In summary, the available evidence is currently insufficient to determine the role of this variant in disease. Therefore, it has been classified as a Variant of Uncertain Significance. This variant has not been reported in the literature in individuals affected with LIAS-related conditions. This variant results in a copy number gain of the genomic region encompassing exon(s) 1 of the LIAS gene. This region includes the initiator codon of the gene. This copy number gain extends beyond the assayed region for this gene and therefore may encompass additional genes. As the precise location of this event is unknown, it may be in tandem or it may be located elsewhere in the genome.

NC_000004.11:g.(?_39460510)_(39460802_?)dup

Genes: LIAS (lipoic acid synthetase; plus strand), RPL9 (ribosomal protein L9; minus strand). Cytogenetic location: 4p14.
Variant type: Duplication.
Identifiers: ClinVar variation 2425649 (VCV002425649.4).